The following is an entry in ClinVar:

ClinVar aggregate classification (germline): Uncertain significance (1 of 4 stars; one submission).

Conditions:
Mosaic variegated aneuploidy syndrome 1 (MVA1). Also called: Warburton-Anyane-Yeboa syndrome. Identifiers: Orphanet 1052, MedGen C1850343, MONDO:0009759, OMIM 257300.

gnomAD v4.1: 2 of 1,611,758 alleles (0.00012%); highest among the groups gnomAD compares: East Asian, 0.0022%; no homozygotes.

Submission:

Labcorp Genetics (formerly Invitae), Labcorp
Classification: Uncertain significance for Mosaic variegated aneuploidy syndrome 1. Last evaluated: 2024-07-01. Review status: criteria provided, single submitter. Criteria: Invitae Variant Classification Sherloc (09022015). Collection method: clinical testing. Allele origin: germline.
Comment: This sequence change falls in intron 19 of the BUB1B gene. It does not directly change the encoded amino acid sequence of the BUB1B protein. It affects a nucleotide within the consensus splice site. This variant is present in population databases (rs747803782, gnomAD 0.006%). This variant has not been reported in the literature in individuals affected with BUB1B-related conditions. Variants that disrupt the consensus splice site are a relatively common cause of aberrant splicing (PMID: 17576681, 9536098). Algorithms developed to predict the effect of sequence changes on RNA splicing suggest that this variant may disrupt the consensus splice site. In summary, the available evidence is currently insufficient to determine the role of this variant in disease. Therefore, it has been classified as a Variant of Uncertain Significance.

Literature cited by the submitters: PubMed 17576681; PubMed 9536098.

NM_001211.6(BUB1B):c.2535+5G>A

Gene: BUB1B (BUB1 mitotic checkpoint serine/threonine kinase B; plus strand). Cytogenetic location: 15q15.1.
Variant type: single nucleotide variant.
Coding change: c.2535+5G>A on transcript NM_001211.6 (MANE Select); 5 bases into the intron after coding-DNA position 2535, G replaced by A.
Molecular consequence: intron variant.
Genome position (GRCh38, 1-based): chr15:40,212,653, G>A. VCF-style: chr15-40212653-G-A. GRCh37 (hg19) VCF-style: chr15-40504854-G-A.
Identifiers: ClinVar variation 3607966 (VCV003607966.2).